The following is an entry in ClinVar:

NM_001267550.2(TTN):c.52021C>T (p.Arg17341Ter)

Genes: TTN (titin; minus strand), TTN-AS1 (TTN antisense RNA 1; plus strand). Cytogenetic location: 2q31.2.
Variant type: single nucleotide variant.
Coding change: c.52021C>T on transcript NM_001267550.2 (MANE Select); coding-DNA position 52021, C replaced by T.
Protein change: p.Arg17341Ter; replaces arginine 17341 with a stop codon.
Molecular consequence: nonsense.
Genome position (GRCh38, 1-based): chr2:178,609,289, G>A on the plus strand (C>T on the coding strand, the complement: TTN is on the minus strand). VCF-style: chr2-178609289-G-A. GRCh37 (hg19) VCF-style: chr2-179474016-G-A.
Other names: c.47098C>T, p.Arg15700Ter (NM_001256850.1); c.24826C>T, p.Arg8276Ter (NM_003319.4); c.44317C>T, p.Arg14773Ter (NM_133378.4); c.25201C>T, p.Arg8401Ter (NM_133432.3); c.25402C>T, p.Arg8468Ter (NM_133437.4); c.52021C>T (NM_001267550.1); short protein forms R17341*, R8468*, R15700*, R8276*, R14773*, R8401*.
Identifiers: ClinVar variation 405082 (VCV000405082.61), dbSNP rs926741242, ClinGen allele CA16610384.

ClinVar aggregate classification (germline): Pathogenic/Likely pathogenic. Review status: criteria provided, multiple submitters, no conflicts (2 of 4 stars). 5 submissions from 5 submitters: Pathogenic (2); Likely pathogenic (3). Last evaluated 2026-10-09.

Conditions:
Primary dilated cardiomyopathy (DCM). Also called: Dilated Cardiomyopathy. Identifiers: Orphanet 217604, MedGen C0007193, MeSH D002311, MONDO:0005021, HP:0001644. Inheritance: Various modes of inheritance.
Centronuclear myopathy (CNM). Also called: Myotubular myopathy; Centronuclear myopathy, congenital. Identifiers: Orphanet 595, MedGen C0175709, MONDO:0018947. Inheritance: All.
Autosomal recessive limb-girdle muscular dystrophy type 2J (LGMDR10). Also called: Limb-girdle muscular dystrophy, type 2J; MUSCULAR DYSTROPHY, LIMB-GIRDLE, AUTOSOMAL RECESSIVE 10. Identifiers: Orphanet 140922, MedGen C1837342, MONDO:0012127, OMIM 608807.
Dilated cardiomyopathy 1G (CMD1G). Identifiers: Orphanet 154, MedGen C1858763, MONDO:0011400, OMIM 604145.

Allele frequency attached by ClinVar (database versions not stated): gnomAD exomes below 0.00001; gnomAD 0.00001; TOPMed 0.00001.
gnomAD v4.1: 7 of 1,595,760 alleles (0.00044%); highest among the groups gnomAD compares: South Asian, 0.0011%; no homozygotes.

Submissions (5):

GeneDx
Classification: Pathogenic. Last evaluated: 2026-10-09. Review status: criteria provided, single submitter. Criteria: GeneDx Variant Classification Process June 2021. Collection method: clinical testing. Allele origin: germline.
Comment: Nonsense variant predicted to result in protein truncation or nonsense mediated decay in a gene for which loss of function is a known mechanism of disease; Located in the A-band, a region of TTN for which truncating variants are significantly associated with autosomal dominant cardiomyopathy and also with autosomal recessive skeletal myopathies (PMID: 22335739, 32778822); Reported in association with autosomal dominant TTN-related cardiomyopathy; however, detailed clinical information was not provided for most cases (PMID: 30535219, 36264615, 33996946, 37547072); Reported in the published literature in association with autosomal recessive TTN-related skeletal myopathies (PMID: 30365001, 38982518); Not observed at significant frequency in large population cohorts (gnomAD); This variant is associated with the following publications: (PMID: 40767373, 32778822, 33996946, 30365001, 38982518, 35177841, 36264615, 31691645, 37547072, 30535219, 22335739, 24575448)

Labcorp Genetics (formerly Invitae), Labcorp
Classification: Pathogenic for Dilated cardiomyopathy 1G; Autosomal recessive limb-girdle muscular dystrophy type 2J. Last evaluated: 2025-11-23. Review status: criteria provided, single submitter. Criteria: Invitae Variant Classification Sherloc (09022015). Collection method: clinical testing. Allele origin: germline.
Comment: This sequence change creates a premature translational stop signal (p.Arg17341*) in the TTN gene. While this is not anticipated to result in nonsense mediated decay, it is expected to create a truncated TTN protein. This variant is present in population databases (no rsID available, gnomAD 0.001%). This premature translational stop signal has been observed in individual(s) with atrial fibrillation and/or autosomal recessive early-adult onset distal myopathy (PMID: 30365001, 30535219). In at least one individual the data is consistent with being in trans (on the opposite chromosome) from a pathogenic variant. ClinVar contains an entry for this variant (Variation ID: 405082). Algorithms developed to predict the effect of sequence changes on RNA splicing suggest that this variant may disrupt the consensus splice site. This variant is located in the A band of TTN (PMID: 25589632). Truncating variants in this region are significantly overrepresented in patients affected with dilated cardiomyopathy (PMID: 25589632). Truncating variants in this region have also been reported in individuals affected with autosomal recessive centronuclear myopathy (PMID: 23975875). For these reasons, this variant has been classified as Pathogenic.

CeGaT Center for Human Genetics Tuebingen
Classification: Likely pathogenic. Last evaluated: 2025-05-01. Review status: criteria provided, single submitter. Criteria: CeGaT Center For Human Genetics Tuebingen Variant Classification Criteria Version 2. Collection method: clinical testing. Allele origin: germline. Affected: yes. Observed: 3 variant alleles.
Comment: TTN: PVS1:Strong, PM2, PS4:Moderate

Muscle and Diseases Team, Institut de Génétique et Biologie Moléculaire et Cellulaire
Classification: Likely pathogenic for Centronuclear myopathy. Last evaluated: 2024-03-01. Review status: criteria provided, single submitter. Criteria: ACMG Guidelines, 2015. Collection method: research. Allele origin: unknown. Affected: yes. Observed: 1 variant allele.
Comment: PVS1+PM2

Center for Human Genetics, University of Leuven
Classification: Likely pathogenic for Primary dilated cardiomyopathy. Last evaluated: 2022-12-31. Review status: criteria provided, single submitter. Criteria: ACMG Guidelines, 2015. Collection method: clinical testing. Allele origin: germline. Affected: yes.

Literature cited by the submitters: PubMed 30365001 (cited by Labcorp Genetics (formerly Invitae), Labcorp); PubMed 30535219 (cited by Labcorp Genetics (formerly Invitae), Labcorp); PubMed 25589632 (cited by Labcorp Genetics (formerly Invitae), Labcorp); PubMed 23975875 (cited by Labcorp Genetics (formerly Invitae), Labcorp); DOI 10.1186/s13073-024-01353-0 (cited by Muscle and Diseases Team, Institut de Génétique et Biologie Moléculaire et Cellulaire).